The following is an entry in ClinVar:

NM_001289125.3(IFNAR2):c.1192A>G (p.Arg398Gly)

Genes: IFNAR2 (interferon alpha and beta receptor subunit 2; plus strand), IFNAR2-IL10RB (IFNAR2-IL10RB readthrough; plus strand). Cytogenetic location: 21q22.11.
Variant type: single nucleotide variant.
Coding change: c.1192A>G on transcript NM_001289125.3 (MANE Select); coding-DNA position 1192, A replaced by G.
Protein change: p.Arg398Gly; replaces arginine 398 with glycine.
Molecular consequence: missense variant. On other transcripts: 3 prime UTR variant (5).
Genome position (GRCh38, 1-based): chr21:33,263,144, A>G. VCF-style: chr21-33263144-A-G. GRCh37 (hg19) VCF-style: chr21-34635449-A-G.
Other names: c.*428A>G (NM_000874.5, NM_207584.3); c.*341A>G (NM_001289126.2, NM_001289128.2); c.*567A>G (NM_001385054.1); c.1192A>G, p.Arg398Gly (NM_001385055.1, NM_207585.3); short protein forms R398G.
Identifiers: ClinVar variation 1462567 (VCV001462567.5), dbSNP rs1003170926, ClinGen allele CA320132218.

ClinVar aggregate classification (germline): Uncertain significance (1 of 4 stars; one submission).

Allele frequency attached by ClinVar (database versions not stated): gnomAD 0.00001; gnomAD exomes 0.00001; TOPMed 0.00001.
gnomAD v4.1: 9 of 1,614,036 alleles (0.00056%); highest among the groups gnomAD compares: Non-Finnish European, 0.00076%; no homozygotes.

Submission:

Labcorp Genetics (formerly Invitae), Labcorp
Classification: Uncertain significance. Last evaluated: 2021-08-20. Review status: criteria provided, single submitter. Criteria: Invitae Variant Classification Sherloc (09022015). Collection method: clinical testing. Allele origin: germline.
Comment: This sequence change replaces arginine with glycine at codon 398 of the IFNAR2 protein (p.Arg398Gly). The arginine residue is weakly conserved and there is a moderate physicochemical difference between arginine and glycine. This variant is not present in population databases (ExAC no frequency). This variant has not been reported in the literature in individuals affected with IFNAR2-related conditions. Algorithms developed to predict the effect of missense changes on protein structure and function output the following: SIFT: "Deleterious"; PolyPhen-2: "Probably Damaging"; Align-GVGD: "Class C0". The glycine amino acid residue is found in multiple mammalian species, which suggests that this missense change does not adversely affect protein function. In summary, the available evidence is currently insufficient to determine the role of this variant in disease. Therefore, it has been classified as a Variant of Uncertain Significance.